The following is an entry in ClinVar:

ClinVar aggregate classification (germline): Pathogenic (1 of 4 stars; one submission).

Conditions:
Argininosuccinate lyase deficiency. Also called: Argininosuccinic aciduria; ARGININOSUCCINIC ACID LYASE DEFICIENCY; ASL DEFICIENCY. Identifiers: Orphanet 23, MedGen C0268547, MONDO:0008815, OMIM 207900, HP:0025630.

Submission:

Labcorp Genetics (formerly Invitae), Labcorp
Classification: Pathogenic for Argininosuccinate lyase deficiency. Last evaluated: 2019-01-08. Review status: criteria provided, single submitter. Criteria: Invitae Variant Classification Sherloc (09022015). Collection method: clinical testing. Allele origin: germline.
Comment: A gross deletion of the genomic region encompassing the full coding sequence of the ASL gene has been identified. The boundaries of this event are unknown as the deletion extends beyond the assayed region for this gene and therefore may encompass additional genes. This deletion has not been reported in the literature in individuals with ASL-related conditions. Loss-of-function variants in ASL are known to be pathogenic (PMID: 2263616, 24166829). For these reasons, this variant has been classified as Pathogenic.

NC_000007.14:g.(?_66076062)_(66092932_?)del

Genes: ASL (argininosuccinate lyase; plus strand), LOC129998526 (ATAC-STARR-seq lymphoblastoid active region 26080; plus strand). Cytogenetic location: 7q11.21.
Variant type: Deletion.
Identifiers: ClinVar variation 652397 (VCV000652397.1).